The following is an entry in ClinVar:

NM_000719.7(CACNA1C):c.798C>T (p.Val266=)

Gene: CACNA1C (calcium voltage-gated channel subunit alpha1 C; plus strand). Cytogenetic location: 12p13.33.
Variant type: single nucleotide variant.
Coding change: c.798C>T on transcript NM_000719.7 (MANE Select); coding-DNA position 798, C replaced by T.
Protein change: p.Val266=; no amino-acid change (valine 266 retained).
Molecular consequence: synonymous variant.
Genome position (GRCh38, 1-based): chr12:2,486,144, C>T. VCF-style: chr12-2486144-C-T. GRCh37 (hg19) VCF-style: chr12-2595310-C-T.
Other names: c.798C>T, p.Val266= (NM_001129827.2, NM_001129829.2, NM_001129830.3 and 19 more transcripts).
Identifiers: ClinVar variation 698729 (VCV000698729.16), dbSNP rs758394964, ClinGen allele CA6388540.

ClinVar aggregate classification (germline): Likely benign. Review status: criteria provided, multiple submitters, no conflicts (2 of 4 stars). 4 submissions from 4 submitters: Likely benign (3). 1 of the submissions does not count toward it. Last evaluated 2025-12-28.

Conditions:
Long QT syndrome (LQTS). Identifiers: MedGen C0023976, MeSH D008133, MONDO:0002442. Disease mechanism: loss of function. Inheritance: Various modes of inheritance.
CACNA1C-related disorder. Also called: CACNA1C-related condition; CACNA1C-related disorders. Identifiers: MedGen CN381092, MONDO:0700321.
Cardiovascular phenotype. Identifiers: MedGen CN230736.

Allele frequency attached by ClinVar (database versions not stated): gnomAD exomes 0.00002; gnomAD 0.00009 and 0.00008; ExAC 0.00001; TOPMed 0.00011.
gnomAD v4.1: 32 of 1,611,836 alleles (0.002%); highest among the groups gnomAD compares: African/African-American, 0.039%; no homozygotes.

Submissions (4):

Labcorp Genetics (formerly Invitae), Labcorp
Classification: Likely benign for Long QT syndrome. Last evaluated: 2025-12-28. Review status: criteria provided, single submitter. Criteria: Invitae Variant Classification Sherloc (09022015). Collection method: clinical testing. Allele origin: germline.

Blueprint Genetics
Classification: Likely benign. Last evaluated: 2024-02-12. Review status: criteria provided, single submitter. Criteria: ACMG Guidelines, 2015. Collection method: clinical testing. Allele origin: germline.

Ambry Genetics
Classification: Likely benign for Cardiovascular phenotype. Last evaluated: 2018-04-04. Review status: criteria provided, single submitter. Criteria: Ambry Variant Classification Scheme 2023. Collection method: clinical testing. Allele origin: germline.

PreventionGenetics, part of Exact Sciences
Classification: Likely benign for CACNA1C-related condition. Last evaluated: 2019-08-01. Review status: no assertion criteria provided. Collection method: clinical testing. Allele origin: germline. Not counted in ClinVar's aggregate classification.
Comment: This variant is classified as likely benign based on ACMG/AMP sequence variant interpretation guidelines (Richards et al. 2015 PMID: 25741868, with internal and published modifications).